The following is an entry in ClinVar:

ClinVar aggregate classification (germline): Pathogenic. Review status: criteria provided, multiple submitters, no conflicts (2 of 4 stars). 2 submissions from 2 submitters: Pathogenic (2). Last evaluated 2026-02-17.

Conditions:
Long QT syndrome (LQTS). Identifiers: MedGen C0023976, MeSH D008133, MONDO:0002442. Disease mechanism: loss of function. Inheritance: Various modes of inheritance.
Long QT syndrome 2 (LQT2). Identifiers: Orphanet 101016, Orphanet 768, MedGen C3150943, MONDO:0013367, OMIM 613688.

Submissions (2):

Victorian Clinical Genetics Services, Murdoch Childrens Research Institute
Classification: Pathogenic for Long QT syndrome 2. Last evaluated: 2026-02-17. Review status: criteria provided, single submitter. Criteria: ACMG Guidelines, 2015. Collection method: clinical testing. Allele origin: germline. Affected: yes.
Comment: This variant is classified as Pathogenic. Evidence in support of pathogenic classification: Variant is predicted to cause nonsense-mediated decay (NMD) and loss of protein (premature termination codon is located at least 54 nucleotides upstream of the final exon-exon junction); Variant is absent from gnomAD (v2, v3 and v4); Other NMD-predicted variant(s) comparable to the one identified in this case have very strong previous evidence for pathogenicity (DECIPHER). Additional information: This variant is heterozygous; This gene is associated with autosomal dominant disease; This variant has no previous evidence of pathogenicity; No published evidence of segregation with disease has been identified for this variant; No published functional evidence has been identified for this variant; Dominant negative and loss of function are known mechanisms of disease in this gene and are associated with long QT syndrome 2 (MIM#613688). Gain of function is also a known disease mechanism associated with short QT syndrome 1 (MIM#609620) (OMIM; PMIDs: 10753933, 21777565); The condition associated with this gene has incomplete penetrance (PMID: 20301308).

Molecular Genetics, Royal Melbourne Hospital
Classification: Pathogenic for Long QT syndrome. Last evaluated: 2024-11-04. Review status: criteria provided, single submitter. Criteria: ACMG Guidelines, 2015. Collection method: clinical testing. Allele origin: germline. Inheritance: Autosomal dominant inheritance. Affected: yes.
Comment: This sequence change in KCNH2 is a frameshift variant predicted to create a premature stop codon, p.(Ala913Argfs*61), in biologically relevant exon 12/15 leading to nonsense-mediated decay in a gene in which loss-of-function is an established disease mechanism (PMID: 32759882). Loss-of-function variants are a well-established cause of disease in exon 12 (ClinVar). This variant is absent from the population database gnomAD v4.1.0. To our knowledge, this variant is novel and has not been previously reported in the relevant scientific literature or databases. Based on the classification scheme RMH Modified ACMG/AMP Guidelines v1.7.0, this variant is classified as PATHOGENIC. Following criteria are met: PVS1, PM2_Supporting, PM5_Supporting.

Literature cited by the submitters: PubMed 21777565 (cited by Victorian Clinical Genetics Services, Murdoch Childrens Research Institute); PubMed 20301308 (cited by Victorian Clinical Genetics Services, Murdoch Childrens Research Institute); PubMed 10753933 (cited by Victorian Clinical Genetics Services, Murdoch Childrens Research Institute); PubMed 32759882 (cited by Molecular Genetics, Royal Melbourne Hospital).

NM_000238.4(KCNH2):c.2737del (p.Ala913fs)

Gene: KCNH2 (potassium voltage-gated channel subfamily H member 2; minus strand). Cytogenetic location: 7q36.1.
Variant type: Deletion.
Coding change: c.2737del on transcript NM_000238.4 (MANE Select); coding-DNA position 2737, one base deleted (G; older notation c.2737delG).
Protein change: p.Ala913fs; shifts the reading frame from alanine 913.
Molecular consequence: frameshift variant.
Genome position (GRCh38, 1-based): chr7:150,947,834, C deleted on the plus strand (G on the coding strand, the reverse complement: KCNH2 is on the minus strand); the first of 3 consecutive C bases (chr7:150,947,834-150,947,836); deleting any one gives the same sequence. VCF-style (leftmost placement, unchanged base first): chr7-150947833-GC-G. GRCh37 (hg19) VCF-style: chr7-150644921-GC-G.
Other names: c.2449del, p.Ala817fs (NM_001406753.1); c.1717del, p.Ala573fs (NM_172057.3); c.2737delG (NM_000238.4); short protein forms A573fs, A817fs, A913fs.
Identifiers: ClinVar variation 3773804 (VCV003773804.2).